The following is an entry in ClinVar:

ClinVar aggregate classification (germline): Likely benign (1 of 4 stars; one submission).

Submission:

CeGaT Center for Human Genetics Tuebingen
Classification: Likely benign. Last evaluated: 2024-02-01. Review status: criteria provided, single submitter. Criteria: CeGaT Center For Human Genetics Tuebingen Variant Classification Criteria Version 2. Collection method: clinical testing. Allele origin: germline. Affected: yes. Observed: 1 variant allele.
Comment: ITGA7: PM2:Supporting, BP4, BP7

NM_002206.3(ITGA7):c.2343G>A (p.Glu781=)

Genes: ITGA7 (integrin subunit alpha 7; minus strand), LOC126861535 (CDK7 strongly-dependent group 2 enhancer GRCh37_chr12:56087579-56088778; plus strand). Cytogenetic location: 12q13.2.
Variant type: single nucleotide variant.
Coding change: c.2343G>A on transcript NM_002206.3 (MANE Select); coding-DNA position 2343, G replaced by A.
Protein change: p.Glu781=; no amino-acid change (glutamic acid 781 retained).
Molecular consequence: synonymous variant.
Genome position (GRCh38, 1-based): chr12:55,694,457, C>T on the plus strand (G>A on the coding strand, the complement: ITGA7 is on the minus strand). VCF-style: chr12-55694457-C-T. GRCh37 (hg19) VCF-style: chr12-56088241-C-T.
Other names: c.2355G>A, p.Glu785= (NM_001144996.2); c.2064G>A, p.Glu688= (NM_001144997.2); c.2016G>A, p.Glu672= (NM_001367993.1); c.999G>A, p.Glu333= (NM_001367994.1); c.2325G>A, p.Glu775= (NM_001374465.1); c.2475G>A, p.Glu825= (NM_001410977.1); c.2337G>A, p.Glu779= (NM_001414029.1); c.2268G>A, p.Glu756= (NM_001414030.1); and 5 more.
Identifiers: ClinVar variation 3027223 (VCV003027223.22), dbSNP rs2539731682, ClinGen allele CA480360242.